The following is an entry in ClinVar:

ClinVar aggregate classification (germline): Uncertain significance (1 of 4 stars; one submission).

Conditions:
Chédiak-Higashi syndrome (CHS). Also called: Chediak-Higashi Syndrome. Identifiers: Orphanet 167, MedGen C0007965, MONDO:0008963, OMIM 214500.

Allele frequency attached by ClinVar (database versions not stated): ExAC 0.00001; gnomAD 0.00001; TOPMed 0.00001; gnomAD exomes 0.00002.
gnomAD v4.1: 33 of 1,614,054 alleles (0.002%); highest among the groups gnomAD compares: Middle Eastern, 0.016%; no homozygotes.

Submission:

Labcorp Genetics (formerly Invitae), Labcorp
Classification: Uncertain significance for Chédiak-Higashi syndrome. Last evaluated: 2022-10-17. Review status: criteria provided, single submitter. Criteria: Invitae Variant Classification Sherloc (09022015). Collection method: clinical testing. Allele origin: germline.
Comment: This sequence change replaces aspartic acid, which is acidic and polar, with valine, which is neutral and non-polar, at codon 217 of the LYST protein (p.Asp217Val). This variant is present in population databases (rs765837584, gnomAD 0.003%). This variant has not been reported in the literature in individuals affected with LYST-related conditions. Advanced modeling of protein sequence and biophysical properties (such as structural, functional, and spatial information, amino acid conservation, physicochemical variation, residue mobility, and thermodynamic stability) performed at Invitae indicates that this missense variant is not expected to disrupt LYST protein function. In summary, the available evidence is currently insufficient to determine the role of this variant in disease. Therefore, it has been classified as a Variant of Uncertain Significance.

NM_000081.4(LYST):c.650A>T (p.Asp217Val)

Gene: LYST (lysosomal trafficking regulator; minus strand). Cytogenetic location: 1q42.3.
Variant type: single nucleotide variant.
Coding change: c.650A>T on transcript NM_000081.4 (MANE Select); coding-DNA position 650, A replaced by T.
Protein change: p.Asp217Val; replaces aspartic acid 217 with valine.
Molecular consequence: missense variant.
Genome position (GRCh38, 1-based): chr1:235,810,168, T>A on the plus strand (A>T on the coding strand, the complement: LYST is on the minus strand). VCF-style: chr1-235810168-T-A. GRCh37 (hg19) VCF-style: chr1-235973468-T-A.
Other names: c.650A>T, p.Asp217Val (NM_001301365.1); short protein forms D217V.
Identifiers: ClinVar variation 2060554 (VCV002060554.1), dbSNP rs765837584, ClinGen allele CA1467586.
Genomic context (GRCh38, chr1:235,810,168, plus strand): 5'-ATGTCAGTGTTTGACCCCTGTCTTGGAATAATCTCTCTGGAATTTTCCAAAGCCATAGCA[T>A]CTGGAGGAGTCTGTTCTTTGGTTGCTAAGCGGTCAAGTTTAGCTTTGGGGTGGTCTTGTT-3'
Protein context (NP_000072.2, residues 207-227): RLATKEQTPP[Asp217Val]AMALENSREI